The following is an entry in ClinVar:

ClinVar aggregate classification (germline): Uncertain significance. Review status: criteria provided, multiple submitters, no conflicts (2 of 4 stars). 3 submissions from 3 submitters: Uncertain significance (2). 1 of the submissions does not count toward it. Last evaluated 2026-02-01.

Conditions:
Diamond-Blackfan anemia 16 (DBA16). Identifiers: MedGen C4479424, MONDO:0044309, OMIM 617408.

Allele frequency attached by ClinVar (database versions not stated): ExAC 0.00007; ESP Exome Variant Server 0.00015; gnomAD 0.00015 and 0.00016; gnomAD exomes 0.00018; TOPMed 0.00020.
gnomAD v4.1: 333 of 1,612,468 alleles (0.021%); highest among the groups gnomAD compares: Admixed American, 0.028%; no homozygotes.

Submissions (3):

Labcorp Genetics (formerly Invitae), Labcorp
Classification: Uncertain significance. Last evaluated: 2026-02-01. Review status: criteria provided, single submitter. Criteria: Invitae Variant Classification Sherloc (09022015). Collection method: clinical testing. Allele origin: germline.
Comment: This sequence change replaces arginine, which is basic and polar, with tryptophan, which is neutral and slightly polar, at codon 135 of the RPL27 protein (p.Arg135Trp). This variant is present in population databases (rs146328911, gnomAD 0.03%). This variant has not been reported in the literature in individuals affected with RPL27-related conditions. ClinVar contains an entry for this variant (Variation ID: 1683516). An algorithm developed to predict the effect of missense changes on protein structure and function (PolyPhen-2) suggests that this variant is likely to be tolerated. In summary, the available evidence is currently insufficient to determine the role of this variant in disease. Therefore, it has been classified as a Variant of Uncertain Significance.

Laboratorio de Genetica e Diagnostico Molecular, Hospital Israelita Albert Einstein
Classification: Uncertain significance for Diamond-Blackfan anemia 16. Last evaluated: 2021-10-04. Review status: criteria provided, single submitter. Criteria: ACMG Guidelines, 2015. Collection method: clinical testing. Allele origin: germline. Affected: yes.

Genetic Services Laboratory, University of Chicago
Classification: Uncertain significance. Last evaluated: 2022-08-22. Review status: no assertion criteria provided. Collection method: clinical testing. Allele origin: germline. Affected: no. Not counted in ClinVar's aggregate classification.
Comment: DNA sequence analysis of the RPL27 gene demonstrated a sequence change, c.403C>T, in exon 5 that results in an amino acid change, p.Arg135Trp. This sequence change does not appear to have been previously described in individuals with RPL27-related disorders. This sequence change has been described in the gnomAD database with a frequency of 0.03% in the European (non-Finnish) subpopulation (dbSNP rs146328911). The p.Arg135Trp change affects a highly conserved amino acid residue located in a domain of the RPL27 protein that is known to be functional. In-silico pathogenicity prediction tools (SIFT, PolyPhen2, Align GVGD, REVEL) provide contradictory results for the p.Arg135Trp substitution. Due to insufficient evidences and the lack of functional studies, the clinical significance of the p.Arg135Trp change remains unknown at this time.

NM_000988.5(RPL27):c.403C>T (p.Arg135Trp)

Gene: RPL27 (ribosomal protein L27; plus strand). Cytogenetic location: 17q21.31.
Variant type: single nucleotide variant.
Coding change: c.403C>T on transcript NM_000988.5 (MANE Select); coding-DNA position 403, C replaced by T.
Protein change: p.Arg135Trp; replaces arginine 135 with tryptophan.
Molecular consequence: missense variant. On other transcripts: non-coding transcript variant (1).
Genome position (GRCh38, 1-based): chr17:43,002,912, C>T. VCF-style: chr17-43002912-C-T. GRCh37 (hg19) VCF-style: chr17-41154929-C-T.
Other names: c.403C>T, p.Arg135Trp (NM_001349921.2, NM_001349922.2); c.403C>T (NM_000988.4); short protein forms R135W.
Identifiers: ClinVar variation 1683516 (VCV001683516.9), dbSNP rs146328911, ClinGen allele CA8589026.